The following is an entry in ClinVar:

ClinVar aggregate classification (germline): Uncertain significance (1 of 4 stars; one submission).

Allele frequency attached by ClinVar (database versions not stated): gnomAD exomes below 0.00001.
gnomAD v4.1: 6 of 1,613,800 alleles (0.00037%); highest among the groups gnomAD compares: Non-Finnish European, 0.00051%; no homozygotes.

Submission:

Labcorp Genetics (formerly Invitae), Labcorp
Classification: Uncertain significance. Last evaluated: 2021-12-23. Review status: criteria provided, single submitter. Criteria: Invitae Variant Classification Sherloc (09022015). Collection method: clinical testing. Allele origin: germline.
Comment: In summary, the available evidence is currently insufficient to determine the role of this variant in disease. Therefore, it has been classified as a Variant of Uncertain Significance. Algorithms developed to predict the effect of sequence changes on RNA splicing suggest that this variant may create or strengthen a splice site. Algorithms developed to predict the effect of missense changes on protein structure and function are either unavailable or do not agree on the potential impact of this missense change (SIFT: "Deleterious"; PolyPhen-2: "Benign"; Align-GVGD: "Class C0"). This variant has not been reported in the literature in individuals affected with CACNA1D-related conditions. This variant is present in population databases (no rsID available, gnomAD 0.006%). This sequence change replaces lysine, which is basic and polar, with arginine, which is basic and polar, at codon 520 of the CACNA1D protein (p.Lys520Arg).

NM_001128840.3(CACNA1D):c.1499A>G (p.Lys500Arg)

Gene: CACNA1D (calcium voltage-gated channel subunit alpha1 D; plus strand). Cytogenetic location: 3p21.1.
Variant type: single nucleotide variant.
Coding change: c.1499A>G on transcript NM_001128840.3 (MANE Select); coding-DNA position 1499, A replaced by G.
Protein change: p.Lys500Arg; replaces lysine 500 with arginine.
Molecular consequence: missense variant.
Genome position (GRCh38, 1-based): chr3:53,719,775, A>G. VCF-style: chr3-53719775-A-G. GRCh37 (hg19) VCF-style: chr3-53753802-A-G.
Other names: c.1559A>G, p.Lys520Arg (NM_000720.4); c.1499A>G, p.Lys500Arg (NM_001128839.3); short protein forms K500R, K520R.
Identifiers: ClinVar variation 1985113 (VCV001985113.4), dbSNP rs1395849642, ClinGen allele CA353236273.